The following is an entry in ClinVar:

NM_001286423.2(GLB1L):c.64dup (p.Leu22fs)

Gene: GLB1L (galactosidase beta 1 like; minus strand). Cytogenetic location: 2q35.
Variant type: Duplication.
Coding change: c.64dup on transcript NM_001286423.2 (MANE Select); coding-DNA position 64, one base duplicated (C; older notation c.64dupC).
Protein change: p.Leu22fs; shifts the reading frame from leucine 22.
Molecular consequence: frameshift variant.
Genome position (GRCh38, 1-based): chr2:219,243,510, G duplicated on the plus strand (C on the coding strand, the reverse complement: GLB1L is on the minus strand). VCF-style (leftmost placement, unchanged base first): chr2-219243509-A-AG. GRCh37 (hg19) VCF-style: chr2-220108231-A-AG.
Other names: c.64dup, p.Leu22fs (NM_001286427.1, NM_024506.5); short protein forms L22fs.
Identifiers: ClinVar variation 4880087 (VCV004880087.1).
Genomic context (GRCh38, chr2:219,243,509, plus strand): 5'-GGATCTGATCCCGCTCACCGCACCCGGCAGGCTGGTTCACCGTCTCATCTTACCTGGGGC[A>AG]GCAGTAGCGTCAGGCTGAGCGGCAGCAGCAGGGAACGAAGGCAGGACAGCTTCTTGGGAG-3'

ClinVar aggregate classification (germline): Uncertain significance (1 of 4 stars; one submission).

Conditions:
Primary ciliary dyskinesia. Also called: Ciliary dyskinesia. Identifiers: Orphanet 244, MedGen C0008780, MONDO:0016575, HP:0012265.

Submission:

Department of Human Genetics, Hannover Medical School
Classification: Uncertain significance for Primary Ciliary Dyskinesia. Last evaluated: 2026-04-01. Review status: criteria provided, single submitter. Criteria: ACMG Guidelines, 2015. Collection method: research. Allele origin: germline. Affected: no.
Comment: Classification performed by HerediClassify using the following criteria:['PM2_supporting: Variant occures does not occur as homozygous in gnomAD.', 'PVS1_protein_strong: Transcript ENST00000295759 is not predicted to undergo NMD. Protein length change of 0.9495412844036697 observed.']